The following is an entry in ClinVar:

NM_144631.6(ZNF513):c.626C>G (p.Pro209Arg)

Gene: ZNF513 (zinc finger protein 513; minus strand). Cytogenetic location: 2p23.3.
Variant type: single nucleotide variant.
Coding change: c.626C>G on transcript NM_144631.6 (MANE Select); coding-DNA position 626, C replaced by G.
Protein change: p.Pro209Arg; replaces proline 209 with arginine.
Molecular consequence: missense variant.
Genome position (GRCh38, 1-based): chr2:27,378,640, G>C on the plus strand (C>G on the coding strand, the complement: ZNF513 is on the minus strand). VCF-style: chr2-27378640-G-C. GRCh37 (hg19) VCF-style: chr2-27601507-G-C.
Other names: c.440C>G, p.Pro147Arg (NM_001201459.2); c.626C>G (NM_144631.5); short protein forms P147R, P209R.
Identifiers: ClinVar variation 2166524 (VCV002166524.5), dbSNP rs774307078, ClinGen allele CA1578012.

ClinVar aggregate classification (germline): Uncertain significance. Review status: criteria provided, multiple submitters, no conflicts (2 of 4 stars). 2 submissions from 2 submitters: Uncertain significance (2). Last evaluated 2025-12-30.

Allele frequency attached by ClinVar (database versions not stated): TOPMed 0.00001; gnomAD exomes 0.00003; ExAC 0.00004.
gnomAD v4.1: 16 of 1,613,928 alleles (0.00099%); highest among the groups gnomAD compares: Admixed American, 0.027%; no homozygotes.

Submissions (2):

Labcorp Genetics (formerly Invitae), Labcorp
Classification: Uncertain significance. Last evaluated: 2025-12-30. Review status: criteria provided, single submitter. Criteria: Invitae Variant Classification Sherloc (09022015). Collection method: clinical testing. Allele origin: germline.
Comment: This sequence change replaces proline, which is neutral and non-polar, with arginine, which is basic and polar, at codon 209 of the ZNF513 protein (p.Pro209Arg). This variant is present in population databases (rs774307078, gnomAD 0.04%). This variant has not been reported in the literature in individuals affected with ZNF513-related conditions. ClinVar contains an entry for this variant (Variation ID: 2166524). An algorithm developed to predict the effect of missense changes on protein structure and function (PolyPhen-2) suggests that this variant is likely to be disruptive. In summary, the available evidence is currently insufficient to determine the role of this variant in disease. Therefore, it has been classified as a Variant of Uncertain Significance.

Ambry Genetics
Classification: Uncertain significance. Last evaluated: 2022-05-27. Review status: criteria provided, single submitter. Criteria: Ambry Variant Classification Scheme 2023. Collection method: clinical testing. Allele origin: germline.